The following is an entry in ClinVar:

ClinVar aggregate classification (germline): Uncertain significance (1 of 4 stars; one submission).

Submission:

GeneDx
Classification: Uncertain significance. Last evaluated: 2025-06-16. Review status: criteria provided, single submitter. Criteria: GeneDx Variant Classification Process June 2021. Collection method: clinical testing. Allele origin: germline. Affected: yes.
Comment: Not observed at significant frequency in large population cohorts (gnomAD); In silico analysis suggests that this missense variant does not alter protein structure/function; Has not been previously published as pathogenic or benign to our knowledge

NM_020791.4(TAOK1):c.2709C>A (p.Ser903Arg)

Gene: TAOK1 (TAO kinase 1; plus strand). Cytogenetic location: 17q11.2.
Variant type: single nucleotide variant.
Coding change: c.2709C>A on transcript NM_020791.4 (MANE Select); coding-DNA position 2709, C replaced by A.
Protein change: p.Ser903Arg; replaces serine 903 with arginine.
Molecular consequence: missense variant.
Genome position (GRCh38, 1-based): chr17:29,542,725, C>A. VCF-style: chr17-29542725-C-A. GRCh37 (hg19) VCF-style: chr17-27869743-C-A.
Other names: c.2265C>A, p.Ser755Arg (NM_025142.1); short protein forms S755R, S903R.
Identifiers: ClinVar variation 4538774 (VCV004538774.1).